The following is an entry in ClinVar:

NM_144599.5(NIPA1):c.17C>T (p.Ala6Val)

Genes: NIPA1 (NIPA magnesium transporter 1; plus strand), LOC130056709 (ATAC-STARR-seq lymphoblastoid silent region 6259; plus strand). Cytogenetic location: 15q11.2.
Variant type: single nucleotide variant.
Coding change: c.17C>T on transcript NM_144599.5 (MANE Select); coding-DNA position 17, C replaced by T.
Protein change: p.Ala6Val; replaces alanine 6 with valine.
Molecular consequence: missense variant. On other transcripts: intron variant (1).
Genome position (GRCh38, 1-based): chr15:22,786,673, C>T. VCF-style: chr15-22786673-C-T. GRCh37 (hg19) VCF-style: chr15-23086395-G-A.
Other names: c.-48+425C>T (NM_001142275.1); short protein forms A6V.
Identifiers: ClinVar variation 2963692 (VCV002963692.3), dbSNP rs944860201, ClinGen allele CA391298192.

ClinVar aggregate classification (germline): Uncertain significance (1 of 4 stars; one submission).

Conditions:
Hereditary spastic paraplegia 6 (SPG6). Also called: SPASTIC PARAPLEGIA 6, AUTOSOMAL DOMINANT. Identifiers: Orphanet 100988, MedGen C1838192, MONDO:0010878, OMIM 600363.

gnomAD v4.1: 7 of 1,075,406 alleles (0.00065%); highest among the groups gnomAD compares: East Asian, 0.0076%; no homozygotes.

Submission:

Labcorp Genetics (formerly Invitae), Labcorp
Classification: Uncertain significance for Hereditary spastic paraplegia 6. Last evaluated: 2023-11-27. Review status: criteria provided, single submitter. Criteria: Invitae Variant Classification Sherloc (09022015). Collection method: clinical testing. Allele origin: germline.
Comment: This sequence change replaces alanine, which is neutral and non-polar, with valine, which is neutral and non-polar, at codon 6 of the NIPA1 protein (p.Ala6Val). The frequency data for this variant in the population databases is considered unreliable, as metrics indicate poor data quality at this position in the gnomAD database. This variant has not been reported in the literature in individuals affected with NIPA1-related conditions. Experimental studies and prediction algorithms are not available or were not evaluated, and the functional significance of this variant is currently unknown. In summary, the available evidence is currently insufficient to determine the role of this variant in disease. Therefore, it has been classified as a Variant of Uncertain Significance.